The following is an entry in ClinVar:

ClinVar aggregate classification (germline): Uncertain significance. Review status: criteria provided, multiple submitters, no conflicts (2 of 4 stars). 2 submissions from 2 submitters: Uncertain significance (2). Last evaluated 2025-07-07.

Allele frequency attached by ClinVar (database versions not stated): gnomAD exomes below 0.00001; TOPMed 0.00006; gnomAD 0.00007.
gnomAD v4.1: 18 of 1,608,304 alleles (0.0011%); highest among the groups gnomAD compares: African/African-American, 0.023%; no homozygotes.

Submissions (2):

Labcorp Genetics (formerly Invitae), Labcorp
Classification: Uncertain significance. Last evaluated: 2025-07-07. Review status: criteria provided, single submitter. Criteria: Invitae Variant Classification Sherloc (09022015). Collection method: clinical testing. Allele origin: germline.
Comment: This sequence change replaces arginine, which is basic and polar, with glutamine, which is neutral and polar, at codon 19 of the ASRGL1 protein (p.Arg19Gln). The frequency data for this variant in the population databases is considered unreliable, as metrics indicate poor data quality at this position in the gnomAD database. This variant has not been reported in the literature in individuals affected with ASRGL1-related conditions. ClinVar contains an entry for this variant (Variation ID: 969179). An algorithm developed to predict the effect of missense changes on protein structure and function (PolyPhen-2) suggests that this variant is likely to be tolerated. In summary, the available evidence is currently insufficient to determine the role of this variant in disease. Therefore, it has been classified as a Variant of Uncertain Significance.

Ambry Genetics
Classification: Uncertain significance. Last evaluated: 2023-12-13. Review status: criteria provided, single submitter. Criteria: Ambry Variant Classification Scheme 2023. Collection method: clinical testing. Allele origin: germline.

NM_001083926.2(ASRGL1):c.56G>A (p.Arg19Gln)

Gene: ASRGL1 (asparaginase and isoaspartyl peptidase 1; plus strand). Cytogenetic location: 11q12.3.
Variant type: single nucleotide variant.
Coding change: c.56G>A on transcript NM_001083926.2 (MANE Select); coding-DNA position 56, G replaced by A.
Protein change: p.Arg19Gln; replaces arginine 19 with glutamine.
Molecular consequence: missense variant.
Genome position (GRCh38, 1-based): chr11:62,338,033, G>A. VCF-style: chr11-62338033-G-A. GRCh37 (hg19) VCF-style: chr11-62105505-G-A.
Other names: c.56G>A, p.Arg19Gln (NM_025080.4); short protein forms R19Q.
Identifiers: ClinVar variation 969179 (VCV000969179.9), dbSNP rs994536412, ClinGen allele CA222996800.